The following is an entry in ClinVar:

NM_000179.3(MSH6):c.3646+91T>C

Gene: MSH6 (mutS homolog 6; plus strand). Cytogenetic location: 2p16.3.
Variant type: single nucleotide variant.
Coding change: c.3646+91T>C on transcript NM_000179.3 (MANE Select); 91 bases into the intron after coding-DNA position 3646, T replaced by C.
Molecular consequence: intron variant.
Genome position (GRCh38, 1-based): chr2:47,805,798, T>C. VCF-style: chr2-47805798-T-C. GRCh37 (hg19) VCF-style: chr2-48032937-T-C.
Other names: c.2740+91T>C (NM_001281493.2, NM_001281494.2); c.3256+91T>C (NM_001281492.2).
Identifiers: ClinVar variation 89432 (VCV000089432.24), dbSNP rs3136359, ClinGen allele CA013635.
Genomic context (GRCh38, chr2:47,805,798, plus strand): 5'-ATCTATCTTAAAAACATTTGTACAAATAACTATTTTTATAGAAGATTATCTGAAGTACAT[T>C]TAAACAATATGAATGTTTTTAGAGCACGCACTCACCATTGTGGCACAGACCGATAGTTGG-3'

ClinVar aggregate classification (germline): Benign. Review status: reviewed by expert panel (3 of 4 stars). 10 submissions from 10 submitters: Benign (1). 9 of the submissions do not count toward it. Last evaluated 2013-09-05.

Conditions:
Hereditary nonpolyposis colorectal neoplasms. Identifiers: MedGen C0009405, MeSH D003123.
Lynch syndrome. Identifiers: Orphanet 144, MedGen C4552100, MONDO:0005835. Disease mechanism: loss of function.
Lynch syndrome 5 (LYNCH5). Also called: Colorectal cancer, hereditary nonpolyposis, type 5; Hereditary non-polyposis colorectal cancer, type 5. Identifiers: Orphanet 144, MedGen C1833477, MONDO:0013710, OMIM 614350. Disease mechanism: loss of function.

Allele frequency attached by ClinVar (database versions not stated): TOPMed 0.78399; 1000 Genomes Project 30x 0.81355; 1000 Genomes Project 0.81430.
gnomAD v4.1: 753,230 of 1,008,616 alleles (75%); highest among the groups gnomAD compares: African/African-American, 92%; 283,397 homozygotes.

Submissions (10):

International Society for Gastrointestinal Hereditary Tumours (InSiGHT)
Classification: Benign for Lynch Syndrome. Last evaluated: 2013-09-05. Review status: reviewed by expert panel. Criteria: Guidelines v1.9. Collection method: research. Allele origin: germline.
Comment: MAF >1%

Classified with v1.9 guidelines
ClinVar note: Converted during submission from no known pathogenicity to Benign.

Labcorp Genetics (formerly Invitae), Labcorp
Classification: Benign for Hereditary nonpolyposis colorectal neoplasms. Last evaluated: 2026-02-02. Review status: criteria provided, single submitter. Criteria: Invitae Variant Classification Sherloc (09022015). Collection method: clinical testing. Allele origin: germline. Not counted in ClinVar's aggregate classification.

Unidad de Genómica Garrahan, Hospital de Pediatría Garrahan
Classification: Benign. Last evaluated: 2024-01-24. Review status: criteria provided, single submitter. Criteria: ACMG Guidelines, 2015. Collection method: clinical testing. Allele origin: germline. Affected: no. Observed: 71 variant alleles. Not counted in ClinVar's aggregate classification.
Comment: This variant is classified as Benign based on local population frequency. This variant was detected in 75% of patients studied by a panel of primary immunodeficiencies. Number of patients: 71. Only high quality variants are reported.

KCCC/NGS Laboratory, Kuwait Cancer Control Center
Classification: Benign for Lynch syndrome 5. Last evaluated: 2023-07-07. Review status: criteria provided, single submitter. Criteria: ACMG Guidelines, 2015. Collection method: clinical testing. Allele origin: germline. Affected: yes. Not counted in ClinVar's aggregate classification.

Eurofins Ntd Llc (ga)
Classification: Benign. Last evaluated: 2018-01-30. Review status: criteria provided, single submitter. Criteria: EGL Classification Definitions 2015. Collection method: clinical testing. Allele origin: germline. Observed: 1 variant allele, 1 heterozygote. Not counted in ClinVar's aggregate classification.

GeneDx
Classification: Benign. Last evaluated: 2015-03-03. Review status: criteria provided, single submitter. Criteria: GeneDx Variant Classification Process June 2021. Collection method: clinical testing. Allele origin: germline. Affected: yes. Not counted in ClinVar's aggregate classification.
Comment: This variant is associated with the following publications: (PMID: 28874130, 28932927)

Breakthrough Genomics
Classification: Benign. Review status: criteria provided, single submitter. Criteria: ACMG Guidelines, 2015. Collection method: not provided. Allele origin: germline. Inheritance: Autosomal recessive inheritance. Affected: yes. Not counted in ClinVar's aggregate classification.

Clinical Genetics Laboratory, Department of Pathology, Netherlands Cancer Institute
Classification: Benign. Review status: no assertion criteria provided. Collection method: clinical testing. Allele origin: germline. Affected: yes. Study: VKGL Data-share Consensus. Not counted in ClinVar's aggregate classification.

Joint Genome Diagnostic Labs from Nijmegen and Maastricht, Radboudumc and MUMC+
Classification: Benign. Review status: no assertion criteria provided. Collection method: clinical testing. Allele origin: germline. Affected: yes. Study: VKGL Data-share Consensus. Not counted in ClinVar's aggregate classification.

Mayo Clinic Laboratories, Mayo Clinic
Classification: Benign. Review status: no assertion criteria provided. Collection method: research. Allele origin: unknown. Observed: 195 variant alleles, 116 homozygotes. Not counted in ClinVar's aggregate classification.